The following is an entry in ClinVar:

NM_014423.4(AFF4):c.529C>A (p.Arg177Ser)

Gene: AFF4 (ALF transcription elongation factor 4; minus strand). Cytogenetic location: 5q31.1.
Variant type: single nucleotide variant.
Coding change: c.529C>A on transcript NM_014423.4 (MANE Select); coding-DNA position 529, C replaced by A.
Protein change: p.Arg177Ser; replaces arginine 177 with serine.
Molecular consequence: missense variant.
Genome position (GRCh38, 1-based): chr5:132,934,536, G>T on the plus strand (C>A on the coding strand, the complement: AFF4 is on the minus strand). VCF-style: chr5-132934536-G-T. GRCh37 (hg19) VCF-style: chr5-132270228-G-T.
Other names: short protein forms R177S.
Identifiers: ClinVar variation 3345321 (VCV003345321.1).
Genomic context (GRCh38, chr5:132,934,536, plus strand): 5'-ACCTGGAATGACTAGAGTTTAATGAAGAAACAGCCTGGGGTTTTCCAGGGCTGGAAGAAC[G>T]TGATTTGGAGTGTTCTGATCCATGCTGGCCTTTTTTCCGGCTACTGCTCCCACTATTGTT-3'
Protein context (NP_055238.1, residues 167-187): GQHGSEHSKS[Arg177Ser]SSSPGKPQAV

ClinVar aggregate classification (germline): Uncertain significance (0 of 4 stars; one submission).

Conditions:
AFF4-related disorder. Also called: AFF4-related condition.

Submission:

PreventionGenetics, part of Exact Sciences
Classification: Uncertain significance for AFF4-related condition. Last evaluated: 2024-07-23. Review status: no assertion criteria provided. Collection method: clinical testing. Allele origin: germline.
Comment: The AFF4 c.529C>A variant is predicted to result in the amino acid substitution p.Arg177Ser. To our knowledge, this variant has not been reported in the literature or in a large population database, indicating this variant is rare. At this time, the clinical significance of this variant is uncertain due to the absence of conclusive functional and genetic evidence.